The following is an entry in ClinVar:

ClinVar aggregate classification (germline): Likely pathogenic (1 of 4 stars; one submission).

Conditions:
Achromatopsia 3 (ACHM3). Also called: ACHROMATOPSIA WITH MYOPIA; PINGELAPESE BLINDNESS; TOTAL COLORBLINDNESS WITH MYOPIA; ROD MONOCHROMACY 1; ROD MONOCHROMATISM 1. Identifiers: Orphanet 49382, MedGen C1849792, MONDO:0009875, OMIM 262300.

Submission:

Women's Health and Genetics/Laboratory Corporation of America, LabCorp
Classification: Likely pathogenic for Achromatopsia 3. Last evaluated: 2025-11-07. Review status: criteria provided, single submitter. Criteria: LabCorp Variant Classification Summary - May 2015. Collection method: clinical testing. Allele origin: germline.
Comment: Variant summary: CNGB3 c.1781G>C (p.Ser594Thr) results in a conservative amino acid change in the encoded protein sequence. Algorithms developed to predict the effect of missense changes on protein structure and function are either unavailable or do not agree on the potential impact of this missense change. Several computational tools predict a significant impact on normal splicing: Three predict the variant abolishes the canonical intron 15 5' splicing donor site. At least one publication reports experimental evidence that this variant affects mRNA splicing resulting in the skipping of exon 15 in a minigene assay (example, Rawnsley_2025). The variant was absent in 251094 control chromosomes. c.1781G>C has been observed as a biallelic compound heterozygous genotype in one individual(s) affected with Achromatopsia (example, Weisschuh_2020). The following publications have been ascertained in the context of this evaluation (PMID: 40304364, 31544997). No submitters have cited clinical-significance assessments for this variant to ClinVar. Based on the evidence outlined above, the variant was classified as likely pathogenic.

Literature cited by the submitters: PubMed 31544997; PubMed 40304364.

NM_019098.5(CNGB3):c.1781G>C (p.Ser594Thr)

Gene: CNGB3 (cyclic nucleotide gated channel subunit beta 3; minus strand). Cytogenetic location: 8q21.3.
Variant type: single nucleotide variant.
Coding change: c.1781G>C on transcript NM_019098.5 (MANE Select); coding-DNA position 1781, G replaced by C.
Protein change: p.Ser594Thr; replaces serine 594 with threonine.
Molecular consequence: missense variant.
Genome position (GRCh38, 1-based): chr8:86,604,093, C>G on the plus strand (G>C on the coding strand, the complement: CNGB3 is on the minus strand). VCF-style: chr8-86604093-C-G. GRCh37 (hg19) VCF-style: chr8-87616321-C-G.
Other names: short protein forms S594T.
Identifiers: ClinVar variation 4536979 (VCV004536979.1).